The following is an entry in ClinVar:

ClinVar aggregate classification (germline): Uncertain significance (1 of 4 stars; one submission).

Conditions:
Intellectual disability, autosomal recessive 53 (NEDHSCA). Also called: GLYCOSYLPHOSPHATIDYLINOSITOL BIOSYNTHESIS DEFECT 13; Mental retardation, autosomal recessive 53; NEURODEVELOPMENTAL DISORDER WITH OR WITHOUT HYPOTONIA, SEIZURES, AND CEREBELLAR ATROPHY. Identifiers: Orphanet 488635, MedGen C4310794, MONDO:0014832, OMIM 616917.

gnomAD v4.1: 1 of 1,607,162 alleles (0.000062%); highest among the groups gnomAD compares: Non-Finnish European, 0.000085%; no homozygotes.

Submission:

Labcorp Genetics (formerly Invitae), Labcorp
Classification: Uncertain significance for Intellectual disability, autosomal recessive 53. Last evaluated: 2022-07-26. Review status: criteria provided, single submitter. Criteria: Invitae Variant Classification Sherloc (09022015). Collection method: clinical testing. Allele origin: germline.
Comment: This sequence change replaces valine, which is neutral and non-polar, with phenylalanine, which is neutral and non-polar, at codon 32 of the PIGG protein (p.Val32Phe). This variant is not present in population databases (gnomAD no frequency). This variant has not been reported in the literature in individuals affected with PIGG-related conditions. ClinVar contains an entry for this variant (Variation ID: 659844). Algorithms developed to predict the effect of missense changes on protein structure and function are either unavailable or do not agree on the potential impact of this missense change (SIFT: "Deleterious"; PolyPhen-2: "Possibly Damaging"; Align-GVGD: "Class C0"). In summary, the available evidence is currently insufficient to determine the role of this variant in disease. Therefore, it has been classified as a Variant of Uncertain Significance.

NM_001127178.3(PIGG):c.94G>T (p.Val32Phe)

Gene: PIGG (phosphatidylinositol glycan anchor biosynthesis class G (EMM blood group); plus strand). Cytogenetic location: 4p16.3.
Variant type: single nucleotide variant.
Coding change: c.94G>T on transcript NM_001127178.3 (MANE Select); coding-DNA position 94, G replaced by T.
Protein change: p.Val32Phe; replaces valine 32 with phenylalanine.
Molecular consequence: missense variant. On other transcripts: 5 prime UTR variant (9), non-coding transcript variant (10), intron variant (1).
Genome position (GRCh38, 1-based): chr4:499,429, G>T. VCF-style: chr4-499429-G-T. GRCh37 (hg19) VCF-style: chr4-493218-G-T.
Other names: c.94G>T, p.Val32Phe (NM_001289052.2, NM_001345989.2, NM_017733.5); c.-732G>T (NM_001289053.2); c.-343G>T (NM_001289055.2); c.-410G>T (NM_001289057.2, NM_001345986.2, NM_001345987.2); c.-1030G>T (NM_001345988.2); c.-1532G>T (NM_001345990.2); c.-1630G>T (NM_001345991.2); c.-1355G>T (NM_001345994.2); and 1 more; short protein forms V32F.
Identifiers: ClinVar variation 659844 (VCV000659844.9), dbSNP rs1366589970, ClinGen allele CA355888794.